The following is an entry in ClinVar:

NM_177438.3(DICER1):c.4341G>A (p.Gln1447=)

Gene: DICER1 (dicer 1, ribonuclease III; minus strand). Cytogenetic location: 14q32.13.
Variant type: single nucleotide variant.
Coding change: c.4341G>A on transcript NM_177438.3 (MANE Select); coding-DNA position 4341, G replaced by A.
Protein change: p.Gln1447=; no amino-acid change (glutamine 1447 retained).
Molecular consequence: synonymous variant.
Genome position (GRCh38, 1-based): chr14:95,096,579, C>T on the plus strand (G>A on the coding strand, the complement: DICER1 is on the minus strand). VCF-style: chr14-95096579-C-T. GRCh37 (hg19) VCF-style: chr14-95562916-C-T.
Other names: c.4341G>A, p.Gln1447= (NM_001195573.1, NM_001271282.3, NM_001291628.2 and 1 more transcripts).
Identifiers: ClinVar variation 479624 (VCV000479624.19), dbSNP rs1170710396, ClinGen allele CA487844167.
Genomic context (GRCh38, chr14:95,096,579, plus strand): 5'-GATTTTCTTTACAAAAGCTCCTGACCCCATTAACATATTATCTATAAATCTGATATGTTC[C>T]TGATCATACTCCAGGAAATCATCTTCATAGTCAGCCTCTTCCTTCGGAGCCCTCCACATC-3'
Protein context (NP_803187.1, residues 1437-1457): DYEDDFLEYD[Gln1447=]EHIRFIDNML

ClinVar aggregate classification (germline): Benign/Likely benign. Review status: criteria provided, multiple submitters, no conflicts (2 of 4 stars). 4 submissions from 4 submitters: Benign (1); Likely benign (3). Last evaluated 2026-04-20.

Conditions:
Hereditary cancer-predisposing syndrome. Also called: Hereditary neoplastic syndrome; Neoplastic Syndromes, Hereditary; Hereditary Cancer Syndrome; Tumor predisposition. Identifiers: Orphanet 140162, MedGen C0027672, MeSH D009386, MONDO:0015356.
DICER1-related tumor predisposition. Also called: DICER1-related pleuropulmonary blastoma cancer predisposition syndrome; DICER1 syndrome. Identifiers: Orphanet 284343, MedGen C3839822, MONDO:0100216.

Allele frequency attached by ClinVar (database versions not stated): gnomAD exomes 0.00003 and below 0.00001.
gnomAD v4.1: 36 of 1,612,340 alleles (0.0022%); highest among the groups gnomAD compares: Non-Finnish European, 0.0031%; no homozygotes.

Submissions (4):

Myriad Genetics, Inc.
Classification: Benign for DICER1-related tumor predisposition. Last evaluated: 2026-04-20. Review status: criteria provided, single submitter. Criteria: Myriad Autosomal Dominant, Autosomal Recessive and X-Linked Classification Criteria (2023). Collection method: clinical testing. Allele origin: unknown.
Comment: This variant is considered benign. This variant is a silent/synonymous amino acid change and it is not expected to impact splicing.

Labcorp Genetics (formerly Invitae), Labcorp
Classification: Likely benign for DICER1-related tumor predisposition. Last evaluated: 2026-01-13. Review status: criteria provided, single submitter. Criteria: Invitae Variant Classification Sherloc (09022015). Collection method: clinical testing. Allele origin: germline.

Hereditary Cancer Group, L’Institut d'Investigació Biomèdica de Bellvitge
Classification: Likely benign for Hereditary cancer-predisposing syndrome. Last evaluated: 2024-12-19. Review status: criteria provided, single submitter. Criteria: Hatton et al. (Hum Mutat. 2023). Collection method: clinical testing. Allele origin: germline. Inheritance: Autosomal dominant inheritance. Affected: yes.
Comment: PM2_supporting, BP4, BP7

Ambry Genetics
Classification: Likely benign for Hereditary cancer-predisposing syndrome. Last evaluated: 2017-08-25. Review status: criteria provided, single submitter. Criteria: Ambry Variant Classification Scheme 2023. Collection method: clinical testing. Allele origin: germline.